The following is an entry in ClinVar:

NM_006031.6(PCNT):c.662T>C (p.Leu221Pro)

Gene: PCNT (pericentrin; plus strand). Cytogenetic location: 21q22.3.
Variant type: single nucleotide variant.
Coding change: c.662T>C on transcript NM_006031.6 (MANE Select); coding-DNA position 662, T replaced by C.
Protein change: p.Leu221Pro; replaces leucine 221 with proline.
Molecular consequence: missense variant.
Genome position (GRCh38, 1-based): chr21:46,346,150, T>C. VCF-style: chr21-46346150-T-C. GRCh37 (hg19) VCF-style: chr21-47766064-T-C.
Other names: c.308T>C, p.Leu103Pro (NM_001315529.2); short protein forms L103P, L221P.
Identifiers: ClinVar variation 4986644 (VCV004986644.1).

ClinVar aggregate classification (germline): Uncertain significance (1 of 4 stars; one submission).

Conditions:
PCNT-related disorder. Also called: PCNT-related condition.

Submission:

PreventionGenetics, part of Exact Sciences
Classification: Uncertain significance for PCNT-related condition. Last evaluated: 2026-01-21. Review status: criteria provided, single submitter. Criteria: ACMG Guidelines, 2015. Collection method: clinical testing. Allele origin: germline.
Comment: The PCNT c.662T>C variant is predicted to result in the amino acid substitution p.Leu221Pro. To our knowledge, this variant has not been reported in the literature or in a large population database (gnomAD), indicating this variant is rare. At this time, the clinical significance of this variant is uncertain due to the absence of conclusive functional and genetic evidence.